The following is an entry in ClinVar:

GRCh38/hg38 3p26.3-26.1(chr3:63843-6977502)x1

Genes: ARL8B (ARF like GTPase 8B; plus strand), BHLHE40 (basic helix-loop-helix family member e40; plus strand), BHLHE40-AS1 (BHLHE40 antisense RNA 1; minus strand), BRRIAR (BHLHE40 and RIG-I regulating ITPR1 antisense RNA; minus strand), CHL1 (cell adhesion molecule L1 like; plus strand) and 132 more. Cytogenetic location: 3p26.3-26.1.
Variant type: copy number loss.
Change: copy number 1 (one copy instead of two) of chr3:63,843-6,977,502 (6.91 Mb, GRCh38 coordinates, 1-based), cytogenetic band 3p26.3-26.1.
Identifiers: ClinVar variation 57735 (VCV000057735.2).

ClinVar aggregate classification (germline): Pathogenic (1 of 4 stars; one submission).

Submission:

ISCA Site 6
Classification: Pathogenic. Last evaluated: 2011-08-12. Review status: criteria provided, single submitter. Criteria: Kaminsky et al. (Genet Med. 2011). Collection method: clinical testing. Allele origin: unknown. Affected: yes. Observed: 1 variant allele.
Comment: Copy number variation identified through the course of routine clinical cytogenomic testing in postnatal populations. Clinical assertions have been curated as described in Kaminsky et al. 2011.